The following is an entry in ClinVar:

NM_007194.4(CHEK2):c.580A>C (p.Ser194Arg)

Gene: CHEK2 (checkpoint kinase 2; minus strand). Cytogenetic location: 22q12.1.
Variant type: single nucleotide variant.
Coding change: c.580A>C on transcript NM_007194.4 (MANE Select); coding-DNA position 580, A replaced by C.
Protein change: p.Ser194Arg; replaces serine 194 with arginine.
Molecular consequence: missense variant. On other transcripts: 5 prime UTR variant (2), intron variant (1).
Genome position (GRCh38, 1-based): chr22:28,724,989, T>G on the plus strand (A>C on the coding strand, the complement: CHEK2 is on the minus strand). VCF-style: chr22-28724989-T-G. GRCh37 (hg19) VCF-style: chr22-29120977-T-G.
Other names: c.709A>C, p.Ser237Arg (NM_001005735.3, NM_001438294.1); c.-198A>C (NM_001257387.3); c.-84A>C (NM_001437942.1); c.673A>C, p.Ser225Arg (NM_001438293.1, NM_001438295.1); c.580A>C, p.Ser194Arg (NM_145862.3); c.445-66A>C (NM_001349956.3); short protein forms S194R, S237R, S225R.
Identifiers: ClinVar variation 491619 (VCV000491619.18), dbSNP rs786203042, ClinGen allele CA411107005.

ClinVar aggregate classification (germline): Uncertain significance. Review status: criteria provided, multiple submitters, no conflicts (2 of 4 stars). 4 submissions from 4 submitters: Uncertain significance (4). Last evaluated 2024-11-19.

Conditions:
Hereditary cancer-predisposing syndrome. Also called: Hereditary neoplastic syndrome; Tumor predisposition; Hereditary Cancer Syndrome; Neoplastic Syndromes, Hereditary. Identifiers: Orphanet 140162, MedGen C0027672, MeSH D009386, MONDO:0015356.
Familial cancer of breast. Also called: Hereditary breast cancer; hereditary breast carcinoma; BREAST CANCER, FAMILIAL. Identifiers: Orphanet 227535, MedGen C0346153, MONDO:0016419, OMIM 114480. Disease mechanism: loss of function.

gnomAD v4.1: 2 of 1,614,086 alleles (0.00012%); highest among the groups gnomAD compares: Non-Finnish European, 0.00017%; no homozygotes.

Submissions (4):

Labcorp Genetics (formerly Invitae), Labcorp
Classification: Uncertain significance for Familial cancer of breast. Last evaluated: 2024-11-19. Review status: criteria provided, single submitter. Criteria: Invitae Variant Classification Sherloc (09022015). Collection method: clinical testing. Allele origin: germline.
Comment: This sequence change replaces serine, which is neutral and polar, with arginine, which is basic and polar, at codon 194 of the CHEK2 protein (p.Ser194Arg). This variant is not present in population databases (gnomAD no frequency). This variant has not been reported in the literature in individuals affected with CHEK2-related conditions. ClinVar contains an entry for this variant (Variation ID: 491619). An algorithm developed to predict the effect of missense changes on protein structure and function (PolyPhen-2) suggests that this variant is likely to be tolerated. In summary, the available evidence is currently insufficient to determine the role of this variant in disease. Therefore, it has been classified as a Variant of Uncertain Significance.

Ambry Genetics
Classification: Uncertain significance for Hereditary cancer-predisposing syndrome. Last evaluated: 2023-12-12. Review status: criteria provided, single submitter. Criteria: Ambry Variant Classification Scheme 2023. Collection method: clinical testing. Allele origin: germline.
Comment: The p.S194R variant (also known as c.580A>C), located in coding exon 3 of the CHEK2 gene, results from an A to C substitution at nucleotide position 580. The serine at codon 194 is replaced by arginine, an amino acid with dissimilar properties. This alteration was reported as functional in a study assessing CHEK2-complementation through quantification of KAP1 phosphorylation and CHK2 autophosphorylation in human RPE1-CHEK2-knockout cells (Stolarova L et al. Clin Cancer Res, 2023 Aug;29:3037-3050). This amino acid position is poorly conserved in available vertebrate species. In addition, this alteration is predicted to be tolerated by in silico analysis. Since supporting evidence is limited at this time, the clinical significance of this alteration remains unclear.

Institute for Clinical Genetics, University Hospital TU Dresden, University Hospital TU Dresden
Classification: Uncertain significance. Last evaluated: 2021-11-03. Review status: criteria provided, single submitter. Criteria: ACMG Guidelines, 2015. Collection method: clinical testing. Allele origin: germline.

Color Diagnostics, LLC DBA Color Health
Classification: Uncertain significance for Hereditary cancer-predisposing syndrome. Last evaluated: 2020-09-16. Review status: criteria provided, single submitter. Criteria: ACMG Guidelines, 2015. Collection method: clinical testing. Allele origin: germline.
Comment: This missense variant replaces serine with arginine at codon 194 of the CHEK2 protein. Computational prediction suggests that this variant may not impact protein structure and function (internally defined REVEL score threshold <= 0.5, PMID: 27666373). To our knowledge, functional studies have not been reported for this variant. This variant has not been reported in individuals affected with hereditary cancer in the literature. This variant has not been identified in the general population by the Genome Aggregation Database (gnomAD). The available evidence is insufficient to determine the role of this variant in disease conclusively. Therefore, this variant is classified as a Variant of Uncertain Significance.

Literature cited by the submitters: PubMed 37449874 (cited by Ambry Genetics).